The following is an entry in ClinVar:

NM_001367624.2(ZNF469):c.4181T>G (p.Phe1394Cys)

Gene: ZNF469 (zinc finger protein 469; plus strand). Cytogenetic location: 16q24.2.
Variant type: single nucleotide variant.
Coding change: c.4181T>G on transcript NM_001367624.2 (MANE Select); coding-DNA position 4181, T replaced by G.
Protein change: p.Phe1394Cys; replaces phenylalanine 1394 with cysteine.
Molecular consequence: missense variant.
Genome position (GRCh38, 1-based): chr16:88,431,651, T>G. VCF-style: chr16-88431651-T-G. GRCh37 (hg19) VCF-style: chr16-88498059-T-G.
Other names: NM_001127464.2:c.4097T>G; short protein forms F1394C.
Identifiers: ClinVar variation 3354960 (VCV003354960.1).

ClinVar aggregate classification (germline): Uncertain significance (0 of 4 stars; one submission).

Conditions:
ZNF469-related disorder. Also called: ZNF469-related condition.

gnomAD v4.1: 14 of 1,550,298 alleles (0.0009%); highest among the groups gnomAD compares: Non-Finnish European, 0.0012%; no homozygotes.

Submission:

PreventionGenetics, part of Exact Sciences
Classification: Uncertain significance for ZNF469-related condition. Last evaluated: 2024-07-18. Review status: no assertion criteria provided. Collection method: clinical testing. Allele origin: germline.
Comment: The ZNF469 c.4097T>G variant is predicted to result in the amino acid substitution p.Phe1366Cys. To our knowledge, this variant has not been reported in the literature or in a large population database, indicating this variant is rare. At this time, the clinical significance of this variant is uncertain due to the absence of conclusive functional and genetic evidence.